The following is an entry in ClinVar:

NM_001184880.2(PCDH19):c.2263_2288+1dup

Genes: PCDH19 (protocadherin 19; minus strand), LOC125467768 (CDK7 strongly-dependent group 2 enhancer GRCh37_chrX:99657381-99658580; plus strand). Cytogenetic location: Xq22.1.
Variant type: Duplication.
Coding change: c.2263_2288+1dup on transcript NM_001184880.2 (MANE Select); coding-DNA position 2263 through the canonical splice donor site of the intron after coding-DNA position 2288, 27 bases duplicated (GAGAAAGTGAGCCTAAGGGGAAAGAGG).
Molecular consequence: splice donor variant. On other transcripts: intron variant (2).
Genome position (GRCh38, 1-based): chrX:100,403,523-100,403,549, CCTCTTTCCCCTTAGGCTCACTTTCTC duplicated on the plus strand (GAGAAAGTGAGCCTAAGGGGAAAGAGG on the coding strand, the reverse complement: PCDH19 is on the minus strand); duplicating any 27 consecutive bases within chrX:100,403,523-100,403,550 gives the same sequence; the c. name uses the placement nearest the transcript's 3' end. VCF-style (leftmost placement, unchanged base first): chrX-100403522-A-ACCTCTTTCCCCTTAGGCTCACTTTCTC. GRCh37 (hg19) VCF-style: chrX-99658520-A-ACCTCTTTCCCCTTAGGCTCACTTTCTC.
Other names: c.2262_2288dup (NM_001184880.1); c.2148-698_2148-672dup (NM_020766.3, NM_001105243.2).
Identifiers: ClinVar variation 533850 (VCV000533850.13), dbSNP rs779136255, ClinGen allele CA10468793.

ClinVar aggregate classification (germline): Uncertain significance. Review status: criteria provided, multiple submitters, no conflicts (2 of 4 stars). 2 submissions from 2 submitters: Uncertain significance (2). Last evaluated 2026-10-21.

Conditions:
Developmental and epileptic encephalopathy, 9 (DEE9). Also called: Early infantile epileptic encephalopathy 9; JUBERG-HELLMAN SYNDROME; PCDH19-Related X-Linked Female-Limited Epilepsy with Mental Retardation; EPILEPSY, FEMALE-RESTRICTED, WITH MENTAL RETARDATION. Identifiers: Orphanet 101039, Orphanet 2076, MedGen C1848137, MONDO:0010246, OMIM 300088. Disease mechanism: loss of function.

Submissions (2):

GeneDx
Classification: Uncertain significance. Last evaluated: 2026-10-21. Review status: criteria provided, single submitter. Criteria: GeneDx Variant Classification Process June 2021. Collection method: clinical testing. Allele origin: germline.
Comment: Not observed at significant frequency in large population cohorts (gnomAD); In-frame duplication of 9 amino acid(s) in a non-repeat region; Has not been previously published as pathogenic or benign to our knowledge

Labcorp Genetics (formerly Invitae), Labcorp
Classification: Uncertain significance for Developmental and epileptic encephalopathy, 9. Last evaluated: 2025-10-11. Review status: criteria provided, single submitter. Criteria: Invitae Variant Classification Sherloc (09022015). Collection method: clinical testing. Allele origin: germline.
Comment: This variant, c.2262_2288dup, results in the insertion of 9 amino acid(s) of the PCDH19 protein (p.Glu755_Arg763dup), but otherwise preserves the integrity of the reading frame. This variant is present in population databases (rs779136255, gnomAD 0.001%). This variant has been observed in individual(s) with clinical features of PCDH19-related conditions (internal data). This variant is also known as c.2263_2288+1dup. ClinVar contains an entry for this variant (Variation ID: 533850). Experimental studies and prediction algorithms are not available or were not evaluated, and the functional significance of this variant is currently unknown. In summary, the available evidence is currently insufficient to determine the role of this variant in disease. Therefore, it has been classified as a Variant of Uncertain Significance.